The following is an entry in ClinVar:

ClinVar aggregate classification (germline): Uncertain significance. Review status: criteria provided, multiple submitters, no conflicts (2 of 4 stars). 3 submissions from 3 submitters: Uncertain significance (3). Last evaluated 2025-07-24.

Conditions:
Cardiomyopathy (CMYO). Also called: Cardiomyopathies. Identifiers: Orphanet 167848, MedGen C0878544, MONDO:0004994, HP:0001638. Inheritance: Various modes of inheritance.
Cardiovascular phenotype. Identifiers: MedGen CN230736.
Catecholaminergic polymorphic ventricular tachycardia 1. Also called: VENTRICULAR TACHYCARDIA, STRESS-INDUCED POLYMORPHIC 1; RYR2-Related Catecholaminergic Polymorphic Ventricular Tachycardia; VENTRICULAR TACHYCARDIA, CATECHOLAMINERGIC POLYMORPHIC, 1, WITH OR WITHOUT ATRIAL DYSFUNCTION AND/OR DILATED CARDIOMYOPATHY. Identifiers: Orphanet 3286, MedGen C1631597, MONDO:0011484, OMIM 604772.

gnomAD v4.1: 2 of 1,592,600 alleles (0.00013%); highest among the groups gnomAD compares: South Asian, 0.0023%; no homozygotes.

Submissions (3):

Labcorp Genetics (formerly Invitae), Labcorp
Classification: Uncertain significance for Catecholaminergic polymorphic ventricular tachycardia 1. Last evaluated: 2025-07-24. Review status: criteria provided, single submitter. Criteria: Invitae Variant Classification Sherloc (09022015). Collection method: clinical testing. Allele origin: germline.
Comment: This sequence change replaces threonine, which is neutral and polar, with alanine, which is neutral and non-polar, at codon 4524 of the RYR2 protein (p.Thr4524Ala). The frequency data for this variant in the population databases is considered unreliable, as metrics indicate poor data quality at this position in the gnomAD database. This variant has not been reported in the literature in individuals affected with RYR2-related conditions. ClinVar contains an entry for this variant (Variation ID: 3791619). Invitae Evidence Modeling of protein sequence and biophysical properties (such as structural, functional, and spatial information, amino acid conservation, physicochemical variation, residue mobility, and thermodynamic stability) indicates that this missense variant is not expected to disrupt RYR2 protein function with a negative predictive value of 95%. In summary, the available evidence is currently insufficient to determine the role of this variant in disease. Therefore, it has been classified as a Variant of Uncertain Significance.

Color Diagnostics, LLC DBA Color Health
Classification: Uncertain significance for Cardiomyopathy. Last evaluated: 2025-06-23. Review status: criteria provided, single submitter. Criteria: ACMG Guidelines, 2015. Collection method: clinical testing. Allele origin: germline.
Comment: This missense variant replaces threonine with alanine at codon 4524 of the RYR2 protein. Computational prediction suggests that this variant may not impact protein structure and function. To our knowledge, functional studies have not been reported for this variant. This variant has not been reported in individuals affected with RYR2-related disorders in the literature. This variant has been identified in 1/216590 chromosomes in the general population by the Genome Aggregation Database (gnomAD). The available evidence is insufficient to determine the role of this variant in disease conclusively. Therefore, this variant is classified as a Variant of Uncertain Significance.

Ambry Genetics
Classification: Uncertain significance for Cardiovascular phenotype. Last evaluated: 2025-01-15. Review status: criteria provided, single submitter. Criteria: Ambry Variant Classification Scheme 2023. Collection method: clinical testing. Allele origin: germline.
Comment: The p.T4524A variant (also known as c.13570A>G), located in coding exon 94 of the RYR2 gene, results from an A to G substitution at nucleotide position 13570. The threonine at codon 4524 is replaced by alanine, an amino acid with similar properties. This amino acid position is highly conserved in available vertebrate species. In addition, the in silico prediction for this alteration is inconclusive. Based on the available evidence, the clinical significance of this variant remains unclear.

NM_001035.3(RYR2):c.13570A>G (p.Thr4524Ala)

Gene: RYR2 (ryanodine receptor 2; plus strand). Cytogenetic location: 1q43.
Variant type: single nucleotide variant.
Coding change: c.13570A>G on transcript NM_001035.3 (MANE Select); coding-DNA position 13570, A replaced by G.
Protein change: p.Thr4524Ala; replaces threonine 4524 with alanine.
Molecular consequence: missense variant.
Genome position (GRCh38, 1-based): chr1:237,792,111, A>G. VCF-style: chr1-237792111-A-G. GRCh37 (hg19) VCF-style: chr1-237955411-A-G.
Other names: short protein forms T4524A.
Identifiers: ClinVar variation 3791619 (VCV003791619.3).